The following is an entry in ClinVar:

NM_015662.3(IFT172):c.1643T>G (p.Val548Gly)

Gene: IFT172 (intraflagellar transport 172; minus strand). Cytogenetic location: 2p23.3.
Variant type: single nucleotide variant.
Coding change: c.1643T>G on transcript NM_015662.3 (MANE Select); coding-DNA position 1643, T replaced by G.
Protein change: p.Val548Gly; replaces valine 548 with glycine.
Molecular consequence: missense variant.
Genome position (GRCh38, 1-based): chr2:27,470,977, A>C on the plus strand (T>G on the coding strand, the complement: IFT172 is on the minus strand). VCF-style: chr2-27470977-A-C. GRCh37 (hg19) VCF-style: chr2-27693844-A-C.
Other names: c.1577T>G, p.Val526Gly (NM_001410739.1); short protein forms V548G, V526G.
Identifiers: ClinVar variation 4998448 (VCV004998448.1).
Genomic context (GRCh38, chr2:27,470,977, plus strand): 5'-GTCCAACATACCCTAATAGTGAACATGGTGACTCTCTCAGGTGCCTCAATGTTGTACCAT[A>C]CACACAGACTGTTTCGGTTCTGAGCTACCAGCACGTCACTTCCTGGGACCCACTGCATAT-3'
Protein context (NP_056477.1, residues 538-558): LVAQNRNSLC[Val548Gly]WYNIEAPERV

ClinVar aggregate classification (germline): Uncertain significance (1 of 4 stars; one submission).

Conditions:
IFT172-related disorder. Also called: IFT172-related condition; IFT172-related disorders.

Submission:

PreventionGenetics, part of Exact Sciences
Classification: Uncertain significance for IFT172-related condition. Last evaluated: 2025-02-24. Review status: criteria provided, single submitter. Criteria: ACMG Guidelines, 2015. Collection method: clinical testing. Allele origin: germline.
Comment: The IFT172 c.1643T>G variant is predicted to result in the amino acid substitution p.Val548Gly. To our knowledge, this variant has not been reported in the literature or in a large population database (gnomAD), indicating this variant is rare. At this time, the clinical significance of this variant is uncertain due to the absence of conclusive functional and genetic evidence.